The following is an entry in ClinVar:

NM_006390.4(IPO8):c.1304A>G (p.His435Arg)

Gene: IPO8 (importin 8; minus strand). Cytogenetic location: 12p11.21.
Variant type: single nucleotide variant.
Coding change: c.1304A>G on transcript NM_006390.4 (MANE Select); coding-DNA position 1304, A replaced by G.
Protein change: p.His435Arg; replaces histidine 435 with arginine.
Molecular consequence: missense variant.
Genome position (GRCh38, 1-based): chr12:30,665,763, T>C on the plus strand (A>G on the coding strand, the complement: IPO8 is on the minus strand). VCF-style: chr12-30665763-T-C. GRCh37 (hg19) VCF-style: chr12-30818697-T-C.
Other names: c.689A>G, p.His230Arg (NM_001190995.2); short protein forms H230R, H435R.
Identifiers: ClinVar variation 2461994 (VCV002461994.3), dbSNP rs140261578, ClinGen allele CA6498944.

ClinVar aggregate classification (germline): Uncertain significance. Review status: criteria provided, multiple submitters, no conflicts (2 of 4 stars). 2 submissions from 2 submitters: Uncertain significance (2). Last evaluated 2023-04-18.

Conditions:
Inborn genetic diseases. Identifiers: MedGen C0950123, MeSH D030342.

Allele frequency attached by ClinVar (database versions not stated): gnomAD exomes 0.00001; ExAC 0.00003; gnomAD 0.00003; TOPMed 0.00004; ESP Exome Variant Server 0.00015.
gnomAD v4.1: 26 of 1,612,888 alleles (0.0016%); highest among the groups gnomAD compares: Admixed American, 0.02%; no homozygotes.

Submissions (2):

GeneDx
Classification: Uncertain significance. Last evaluated: 2023-04-18. Review status: criteria provided, single submitter. Criteria: GeneDx Variant Classification Process June 2021. Collection method: clinical testing. Allele origin: germline. Affected: yes.
Comment: In silico analysis supports that this missense variant has a deleterious effect on protein structure/function; Has not been previously published as pathogenic or benign to our knowledge

Ambry Genetics
Classification: Uncertain significance for Inborn genetic diseases. Last evaluated: 2023-02-27. Review status: criteria provided, single submitter. Criteria: Ambry Variant Classification Scheme 2023. Collection method: clinical testing. Allele origin: germline.